The following is an entry in ClinVar:

ClinVar aggregate classification (germline): Uncertain significance (1 of 4 stars; one submission).

Submission:

Labcorp Genetics (formerly Invitae), Labcorp
Classification: Uncertain significance. Last evaluated: 2025-12-13. Review status: criteria provided, single submitter. Criteria: Invitae Variant Classification Sherloc (09022015). Collection method: clinical testing. Allele origin: germline.
Comment: This sequence change falls in intron 38 of the COL2A1 gene. It does not directly change the encoded amino acid sequence of the COL2A1 protein. It affects a nucleotide within the consensus splice site. This variant is not present in population databases (gnomAD no frequency). This variant has not been reported in the literature in individuals affected with COL2A1-related conditions. ClinVar contains an entry for this variant (Variation ID: 858443). Variants that disrupt the consensus splice site are a relatively common cause of aberrant splicing (PMID: 17576681, 9536098). Algorithms developed to predict the effect of sequence changes on RNA splicing suggest that this variant is not likely to affect RNA splicing. In summary, the available evidence is currently insufficient to determine the role of this variant in disease. Therefore, it has been classified as a Variant of Uncertain Significance.

Literature cited by the submitters: PubMed 17576681; PubMed 9536098.

NM_001844.5(COL2A1):c.2518-3T>C

Gene: COL2A1 (collagen type II alpha 1 chain; minus strand). Cytogenetic location: 12q13.11.
Variant type: single nucleotide variant.
Coding change: c.2518-3T>C on transcript NM_001844.5 (MANE Select); 3 bases into the intron before coding-DNA position 2518, T replaced by C.
Molecular consequence: intron variant.
Genome position (GRCh38, 1-based): chr12:47,980,664, A>G on the plus strand (T>C on the coding strand, the complement: COL2A1 is on the minus strand). VCF-style: chr12-47980664-A-G. GRCh37 (hg19) VCF-style: chr12-48374447-A-G.
Other names: c.2311-3T>C (NM_033150.3).
Identifiers: ClinVar variation 858443 (VCV000858443.7), dbSNP rs1305461428, ClinGen allele CA604849378.
Genomic context (GRCh38, chr12:47,980,664, plus strand): 5'-CGCCTTTCTGGCCGGCCTCTCCTTGCTCACCCTTGGCCCCAGGCTGGCCATCAGCACCCT[A>G]TAATGGGAAGGAGGAAGCAGGTGAATGAGGGGCAGGCTAAAACCCTGGAGCTCTTCCAGA-3'